The following is an entry in ClinVar:

ClinVar aggregate classification (germline): Uncertain significance (1 of 4 stars; one submission).

Allele frequency attached by ClinVar (database versions not stated): gnomAD exomes below 0.00001.
gnomAD v4.1: 1 of 1,614,218 alleles (0.000062%); highest among the groups gnomAD compares: Non-Finnish European, 0.000085%; no homozygotes.

Submission:

Labcorp Genetics (formerly Invitae), Labcorp
Classification: Uncertain significance. Last evaluated: 2023-08-02. Review status: criteria provided, single submitter. Criteria: Invitae Variant Classification Sherloc (09022015). Collection method: clinical testing. Allele origin: germline.
Comment: An algorithm developed to predict the effect of missense changes on protein structure and function (PolyPhen-2) suggests that this variant is likely to be tolerated. This sequence change replaces tyrosine, which is neutral and polar, with cysteine, which is neutral and slightly polar, at codon 748 of the CTNNB1 protein (p.Tyr748Cys). This variant is not present in population databases (gnomAD no frequency). This variant has not been reported in the literature in individuals affected with CTNNB1-related conditions. In summary, the available evidence is currently insufficient to determine the role of this variant in disease. Therefore, it has been classified as a Variant of Uncertain Significance.

NM_001904.4(CTNNB1):c.2243A>G (p.Tyr748Cys)

Gene: CTNNB1 (catenin beta 1; plus strand). Cytogenetic location: 3p22.1.
Variant type: single nucleotide variant.
Coding change: c.2243A>G on transcript NM_001904.4 (MANE Select); coding-DNA position 2243, A replaced by G.
Protein change: p.Tyr748Cys; replaces tyrosine 748 with cysteine.
Molecular consequence: missense variant.
Genome position (GRCh38, 1-based): chr3:41,239,239, A>G. VCF-style: chr3-41239239-A-G. GRCh37 (hg19) VCF-style: chr3-41280730-A-G.
Other names: c.2243A>G, p.Tyr748Cys (NM_001098209.2, NM_001098210.2); c.2222A>G, p.Tyr741Cys (NM_001330729.2); short protein forms Y741C, Y748C.
Identifiers: ClinVar variation 2744026 (VCV002744026.3), dbSNP rs2125653625, ClinGen allele CA352237485.
Genomic context (GRCh38, chr3:41,239,239, plus strand): 5'-CCTTGGGTATGGACCCCATGATGGAACATGAGATGGGTGGCCACCACCCTGGTGCTGACT[A>G]TCCAGTTGATGGGCTGCCAGATCTGGGGCATGCCCAGGACCTCATGGATGGGCTGCCTCC-3'
Protein context (NP_001895.1, residues 738-758): EMGGHHPGAD[Tyr748Cys]PVDGLPDLGH